The following is an entry in ClinVar:

NM_006885.4(ZFHX3):c.5677_5678del (p.Arg1893fs)

Genes: ZFHX3 (zinc finger homeobox 3; minus strand), ZFHX3-AS1 (ZFHX3 antisense RNA 1; plus strand). Cytogenetic location: 16q22.2.
Variant type: Microsatellite.
Coding change: c.5677_5678del on transcript NM_006885.4 (MANE Select); coding-DNA positions 5677 to 5678, 2 bases deleted (AG; older notation c.5677_5678delAG).
Protein change: p.Arg1893fs; shifts the reading frame from arginine 1893.
Molecular consequence: frameshift variant.
Genome position (GRCh38, 1-based): chr16:72,797,004-72,797,005, CT deleted on the plus strand (AG on the coding strand, the reverse complement: ZFHX3 is on the minus strand); deleting any 2 consecutive bases within chr16:72,797,004-72,797,013 gives the same sequence; the c. name uses the placement nearest the transcript's 3' end. VCF-style (leftmost placement, unchanged base first): chr16-72797003-CCT-C. GRCh37 (hg19) VCF-style: chr16-72830902-CCT-C.
Other names: c.2935_2936del, p.Arg979fs (NM_001164766.2); c.5677_5678del, p.Arg1893fs (NM_001386735.1); short protein forms R1893fs, R979fs.
Identifiers: ClinVar variation 4530283 (VCV004530283.1).

ClinVar aggregate classification (somatic clinical impact): Tier II - Potential (1 of 4 stars; one submission).

Conditions:
Papillary thyroid carcinoma. Also called: Thyroid carcinoma, papillary, somatic; NONMEDULLARY THYROID CARCINOMA, PAPILLARY; Thyroid gland papillary carcinoma. Identifiers: Orphanet 146, MedGen C0238463, MeSH D000077273, MONDO:0005075, HP:0002895.

Submission:

Institute for Genomic Medicine (IGM) Clinical Laboratory, Nationwide Children's Hospital
Classification: Tier II - Potential for Papillary thyroid carcinoma. Assertion type: diagnostic. Clinical significance: supports diagnosis. Last evaluated: 2023-08-03. Review status: criteria provided, single submitter. Criteria: AMP/ASCO/CAP Guidelines, 2017. Collection method: clinical testing. Allele origin: somatic. Affected: yes.
Comment: Variant has Tier II (potential) clinical significance as a diagnostic inclusion criterion in thyroid gland papillary carcinoma, based on the following evidence: 1) Documented in one or more cancer databases (e.g., St. Jude Pecan, COSMIC, CIViC, OncoKB). 2) Information in the literature supports potential biologic effect of variant (PMID: 30979864). 3) Assists in diagnosis alone or along with other biomarkers based on small studies or few case reports (Evidence Level D; PMIDs: 30979864, 22722839, 17671116, 32887258, 32163911).

Literature cited by the submitters: PubMed 30979864; PubMed 22722839; PubMed 17671116; PubMed 32887258; PubMed 32163911.